The following is an entry in ClinVar:

ClinVar aggregate classification (germline): Uncertain significance (1 of 4 stars; one submission).

Conditions:
Hereditary cancer-predisposing syndrome. Also called: Neoplastic Syndromes, Hereditary; Tumor predisposition; Hereditary Cancer Syndrome; Hereditary neoplastic syndrome. Identifiers: Orphanet 140162, MedGen C0027672, MeSH D009386, MONDO:0015356.

Submission:

Labcorp Genetics (formerly Invitae), Labcorp
Classification: Uncertain significance for Hereditary cancer-predisposing syndrome. Last evaluated: 2018-03-16. Review status: criteria provided, single submitter. Criteria: Invitae Variant Classification Sherloc (09022015). Collection method: clinical testing. Allele origin: germline.
Comment: In summary, the available evidence is currently insufficient to determine the role of this variant in disease. Therefore, it has been classified as a Variant of Uncertain Significance. Algorithms developed to predict the effect of sequence changes on RNA splicing suggest that this variant may create or strengthen a splice site, but this prediction has not been confirmed by published transcriptional studies. Algorithms developed to predict the effect of missense changes on protein structure and function (SIFT, PolyPhen-2, Align-GVGD) all suggest that this variant is likely to be tolerated, but these predictions have not been confirmed by published functional studies and their clinical significance is uncertain. This variant has not been reported in the literature in individuals with RAD50-related disease. ClinVar contains an entry for this variant (Variation ID: 457445). This variant is not present in population databases (ExAC no frequency). This sequence change replaces methionine with valine at codon 1111 of the RAD50 protein (p.Met1111Val). The methionine residue is moderately conserved and there is a small physicochemical difference between methionine and valine.

NM_005732.4(RAD50):c.3331A>G (p.Met1111Val)

Gene: RAD50 (RAD50 double strand break repair protein; plus strand). Cytogenetic location: 5q31.1.
Variant type: single nucleotide variant.
Coding change: c.3331A>G on transcript NM_005732.4 (MANE Select); coding-DNA position 3331, A replaced by G.
Protein change: p.Met1111Val; replaces methionine 1111 with valine.
Molecular consequence: missense variant.
Genome position (GRCh38, 1-based): chr5:132,618,236, A>G. VCF-style: chr5-132618236-A-G. GRCh37 (hg19) VCF-style: chr5-131953928-A-G.
Other names: short protein forms M1111V.
Identifiers: ClinVar variation 457445 (VCV000457445.9), dbSNP rs1437063542, ClinGen allele CA360964896.
Genomic context (GRCh38, chr5:132,618,236, plus strand): 5'-GAACTTCGAGAACCACAATTTCGGGATGCTGAGGAAAAGTATAGAGAAATGATGATTGTT[A>G]TGAGGACAACAGAACTTGTGAACAAGGATCTGGATATTTATTATAAGACTCTTGACCAGT-3'
Protein context (NP_005723.2, residues 1101-1121): EEKYREMMIV[Met1111Val]RTTELVNKDL